The following is an entry in ClinVar:

ClinVar aggregate classification (germline): Uncertain significance (1 of 4 stars; one submission).

Conditions:
Hereditary cancer-predisposing syndrome. Also called: Neoplastic Syndromes, Hereditary; Tumor predisposition; Hereditary Cancer Syndrome; Hereditary neoplastic syndrome. Identifiers: Orphanet 140162, MedGen C0027672, MeSH D009386, MONDO:0015356.

gnomAD v4.1: 2 of 1,614,078 alleles (0.00012%); highest among the groups gnomAD compares: East Asian, 0.0022%; no homozygotes.

Submission:

Ambry Genetics
Classification: Uncertain significance for Hereditary cancer-predisposing syndrome. Last evaluated: 2025-12-21. Review status: criteria provided, single submitter. Criteria: Ambry Variant Classification Scheme 2023. Collection method: clinical testing. Allele origin: germline.
Comment: The p.Q358H variant (also known as c.1074G>C), located in coding exon 9 of the APC gene, results from a G to C substitution at nucleotide position 1074. The glutamine at codon 358 is replaced by histidine, an amino acid with highly similar properties. This amino acid position is conserved. In addition, in silico predictors for this gene do not accurately predict pathogenicity. Based on the available evidence, the clinical significance of this variant remains unclear.

NM_000038.6(APC):c.1074G>C (p.Gln358His)

Gene: APC (APC regulator of Wnt signaling pathway; plus strand). Cytogenetic location: 5q22.2.
Variant type: single nucleotide variant.
Coding change: c.1074G>C on transcript NM_000038.6 (MANE Select); coding-DNA position 1074, G replaced by C.
Protein change: p.Gln358His; replaces glutamine 358 with histidine.
Molecular consequence: missense variant. On other transcripts: non-coding transcript variant (2), intron variant (15).
Genome position (GRCh38, 1-based): chr5:112,819,106, G>C. VCF-style: chr5-112819106-G-C. GRCh37 (hg19) VCF-style: chr5-112154803-G-C.
Other names: c.1074G>C, p.Gln358His (NM_001407448.1, NM_001407449.1, NM_001407450.1 and 4 more transcripts); c.999G>C, p.Gln333His (NM_001407451.1, NM_001354898.2); c.990G>C, p.Gln330His (NM_001407452.1, NM_001354899.2); c.897G>C, p.Gln299His (NM_001407453.1, NM_001354900.2, NM_001354901.2); c.225G>C, p.Gln75His (NM_001407470.1, NM_001354906.2); c.85-163G>C (NM_001407472.1, NM_001407471.1); c.934-163G>C (NM_001407456.1, NM_001407460.1, NM_001407457.1 and 5 more transcripts); c.1020G>C, p.Gln340His (NM_001127511.3); and 5 more; short protein forms Q333H, Q299H, Q340H, Q75H, Q330H, Q368H, Q358H.
Identifiers: ClinVar variation 4843522 (VCV004843522.1).